The following is an entry in ClinVar:

ClinVar aggregate classification (germline): Conflicting classifications of pathogenicity. Review status: criteria provided, conflicting classifications (1 of 4 stars). 8 submissions from 8 submitters: Uncertain significance (2); Likely benign (6). Last evaluated 2026-09-01.

Conditions:
Congenital adrenal hyperplasia due to cytochrome P450 oxidoreductase deficiency. Also called: DISORDERED STEROIDOGENESIS DUE TO POR DEFICIENCY. Identifiers: Orphanet 95699, MedGen C1860042, MONDO:0013310, OMIM 613571.

Allele frequency attached by ClinVar (database versions not stated): gnomAD 0.00083 and 0.00089; ESP Exome Variant Server 0.00088; TOPMed 0.00099; 1000 Genomes Project 0.00040; 1000 Genomes Project 30x 0.00047; gnomAD exomes 0.00051 and 0.00057; ExAC 0.00063.
gnomAD v4.1: 876 of 1,613,040 alleles (0.054%); highest among the groups gnomAD compares: Middle Eastern, 0.35%; 3 homozygotes.

Submissions (8):

CeGaT Center for Human Genetics Tuebingen
Classification: Likely benign. Last evaluated: 2026-09-01. Review status: criteria provided, single submitter. Criteria: CeGaT Center For Human Genetics Tuebingen Variant Classification Criteria Version 2. Collection method: clinical testing. Allele origin: germline. Affected: yes. Observed: 4 variant alleles.
Comment: POR: BP4, BP7

Women's Health and Genetics/Laboratory Corporation of America, LabCorp
Classification: Likely benign. Last evaluated: 2026-02-10. Review status: criteria provided, single submitter. Criteria: LabCorp Variant Classification Summary - May 2015. Collection method: clinical testing. Allele origin: germline.

Labcorp Genetics (formerly Invitae), Labcorp
Classification: Likely benign for Congenital adrenal hyperplasia due to cytochrome P450 oxidoreductase deficiency. Last evaluated: 2026-01-28. Review status: criteria provided, single submitter. Criteria: Invitae Variant Classification Sherloc (09022015). Collection method: clinical testing. Allele origin: germline.

Blueprint Genetics
Classification: Likely benign. Last evaluated: 2024-11-22. Review status: criteria provided, single submitter. Criteria: ACMG Guidelines, 2015. Collection method: clinical testing. Allele origin: germline.

ARUP Laboratories, Molecular Genetics and Genomics, ARUP Laboratories
Classification: Likely benign. Last evaluated: 2024-09-30. Review status: criteria provided, single submitter. Criteria: ARUP Molecular Germline Variant Investigation Process 2024. Collection method: clinical testing. Allele origin: germline.

GeneDx
Classification: Likely benign. Last evaluated: 2019-09-09. Review status: criteria provided, single submitter. Criteria: GeneDx Variant Classification Process June 2021. Collection method: clinical testing. Allele origin: germline. Affected: yes.

Eurofins Ntd Llc (ga)
Classification: Uncertain significance. Last evaluated: 2018-03-22. Review status: criteria provided, single submitter. Criteria: EGL ClinVar v180209 classification definitions. Collection method: clinical testing. Allele origin: germline. Observed: 1 variant allele, 1 heterozygote.

Illumina Laboratory Services, Illumina
Classification: Uncertain significance for Congenital adrenal hyperplasia due to cytochrome P450 oxidoreductase deficiency. Last evaluated: 2018-01-12. Review status: criteria provided, single submitter. Criteria: ICSL Variant Classification Criteria 13 December 2019. Collection method: clinical testing. Allele origin: germline.

NM_001395413.1(POR):c.678C>T (p.Ala226=)

Gene: POR (cytochrome p450 oxidoreductase; plus strand). Cytogenetic location: 7q11.23.
Variant type: single nucleotide variant.
Coding change: c.678C>T on transcript NM_001395413.1 (MANE Select); coding-DNA position 678, C replaced by T.
Protein change: p.Ala226=; no amino-acid change (alanine 226 retained).
Molecular consequence: synonymous variant.
Genome position (GRCh38, 1-based): chr7:75,981,562, C>T. VCF-style: chr7-75981562-C-T. GRCh37 (hg19) VCF-style: chr7-75610880-C-T.
Other names: c.678C>T, p.Ala226= (NM_001367562.3, NM_001382657.2, NM_001382658.3 and 2 more transcripts); c.732C>T, p.Ala244= (NM_001382655.3).
Identifiers: ClinVar variation 596382 (VCV000596382.62), dbSNP rs72557906, ClinGen allele CA4303779.